The following is an entry in ClinVar:

ClinVar aggregate classification (germline): Uncertain significance (1 of 4 stars; one submission).

Conditions:
Hereditary cancer-predisposing syndrome. Also called: Hereditary neoplastic syndrome; Tumor predisposition; Neoplastic Syndromes, Hereditary; Hereditary Cancer Syndrome. Identifiers: Orphanet 140162, MedGen C0027672, MeSH D009386, MONDO:0015356.

Submission:

Sema4
Classification: Uncertain significance for Hereditary cancer-predisposing syndrome. Last evaluated: 2021-08-11. Review status: criteria provided, single submitter. Criteria: Sema4 Curation Guidelines. Collection method: curation. Allele origin: germline.
Comment: The ALK c.3092T>G (p.L1031R) variant has not been reported in the literature to our knowledge. It was not observed in the large and broad cohorts of the Genome Aggregation Database (PMID: 32461654). This variant has not been reported in ClinVar. Functional studies have not been performed, and in silico predictions of the variant's effect on protein function are inconclusive. The evidence is insufficient to meet ACMG/AMP criteria for classifying the variant as benign or pathogenic. Thus, the clinical significance of this variant is currently uncertain.

NM_004304.5(ALK):c.3092T>G (p.Leu1031Arg)

Gene: ALK (ALK receptor tyrosine kinase; minus strand). Cytogenetic location: 2p23.2.
Variant type: single nucleotide variant.
Coding change: c.3092T>G on transcript NM_004304.5 (MANE Select); coding-DNA position 3092, T replaced by G.
Protein change: p.Leu1031Arg; replaces leucine 1031 with arginine.
Molecular consequence: missense variant.
Genome position (GRCh38, 1-based): chr2:29,225,541, A>C on the plus strand (T>G on the coding strand, the complement: ALK is on the minus strand). VCF-style: chr2-29225541-A-C. GRCh37 (hg19) VCF-style: chr2-29448407-A-C.
Other names: short protein forms L1031R.
Identifiers: ClinVar variation 1692779 (VCV001692779.1), dbSNP rs2148176506, ClinGen allele CA346467018.